The following is an entry in ClinVar:

ClinVar aggregate classification (germline): Pathogenic. Review status: criteria provided, multiple submitters, no conflicts (2 of 4 stars). 2 submissions from 2 submitters: Pathogenic (2). Last evaluated 2024-05-20.

Conditions:
Retinoblastoma (RB1). Also called: RETINOBLASTOMA, SOMATIC. Identifiers: Orphanet 790, MedGen C0035335, MeSH D012175, MONDO:0008380, OMIM 180200, HP:0009919. Disease mechanism: loss of function. Inheritance: Both sporadic and heritable forms are tested..
Hereditary cancer-predisposing syndrome. Also called: Hereditary Cancer Syndrome; Neoplastic Syndromes, Hereditary; Hereditary neoplastic syndrome; Tumor predisposition. Identifiers: Orphanet 140162, MedGen C0027672, MeSH D009386, MONDO:0015356.

Submissions (2):

Genetic Diagnostic Laboratory, University of Pennsylvania School of Medicine
Classification: Pathogenic for Retinoblastoma. Last evaluated: 2024-05-20. Review status: criteria provided, single submitter. Criteria: ACMG Guidelines, 2015. Collection method: clinical testing. Allele origin: germline. Affected: yes. Observed: 1 variant allele.
Comment: Case and Pedigree Information: BILATERAL CASES:1, UNILATERAL CASES:0, TOTAL CASES:1, PEDIGREES:1. ACMG Codes Applied:PVS1, PM2

Ambry Genetics
Classification: Pathogenic for Hereditary cancer-predisposing syndrome. Last evaluated: 2015-04-01. Review status: criteria provided, single submitter. Criteria: Ambry Variant Classification Scheme 2023. Collection method: clinical testing. Allele origin: germline.
Comment: The c.9_42dup34 variant, located in coding exon 1 of the RB1 gene, results from a duplication of CAAAACCCCCCGAAAAACGGCCGCCACCGCCGCC at nucleotide position 9, causing a translational frameshift with a predicted alternate stop codon. Since frameshifts are typically deleterious in nature, this alteration is interpreted as a disease-causing mutation (ACMG Recommendations for Standards for Interpretation and Reporting of Sequence Variations. Revision 2007. Genet Med. 2008;10:294).

NM_000321.3(RB1):c.9_42dup (p.Ala15fs)

Gene: RB1 (RB transcriptional corepressor 1; plus strand). Cytogenetic location: 13q14.2.
Variant type: Duplication.
Coding change: c.9_42dup on transcript NM_000321.3 (MANE Select); coding-DNA positions 9 to 42, 34 bases duplicated.
Protein change: p.Ala15fs; shifts the reading frame from alanine 15.
Molecular consequence: frameshift variant, initiator codon variant.
Genome position (GRCh38, 1-based): chr13:48,303,921-48,303,954, 34 bases duplicated; duplicating any 34 consecutive bases within chr13:48,303,915-48,303,954 gives the same sequence; the c. name uses the placement nearest the transcript's 3' end. GRCh37 (hg19): chr13:48,878,057-48,878,090.
Other names: short protein forms A15fs.
Identifiers: ClinVar variation 428711 (VCV000428711.7), dbSNP rs1555279195, ClinGen allele CA645369599.
Genomic context (GRCh38, chr13:48,303,914, plus strand): 5'-CGCGTCGTCCTCCCCGGCGCTCCTCCACAGCTCGCTGGCTCCCGCCGCGGAAAGGCGTCA[T>TGCCGCCCAAAACCCCCCGAAAAACGGCCGCCACC]GCCGCCCAAAACCCCCCGAAAAACGGCCGCCACCGCCGCCGCTGCCGCCGCGGAACCCCC-3'